The following is an entry in ClinVar:

ClinVar aggregate classification (germline): Conflicting classifications of pathogenicity. Review status: criteria provided, conflicting classifications (1 of 4 stars). 4 submissions from 4 submitters: Likely pathogenic (1); Uncertain significance (2). 1 of the submissions does not count toward it. Last evaluated 2025-10-17.

Conditions:
Usher syndrome type 1B (USH1B). Also called: Usher syndrome type IB. Identifiers: MedGen C1848638, MONDO:0700087.

Allele frequency attached by ClinVar (database versions not stated): TOPMed 0.00002.

Submissions (4):

Labcorp Genetics (formerly Invitae), Labcorp
Classification: Likely pathogenic. Last evaluated: 2025-10-17. Review status: criteria provided, single submitter. Criteria: Invitae Variant Classification Sherloc (09022015). Collection method: clinical testing. Allele origin: germline.
Comment: This sequence change replaces glycine, which is neutral and non-polar, with valine, which is neutral and non-polar, at codon 660 of the MYO7A protein (p.Gly660Val). This variant is not present in population databases (gnomAD no frequency). This missense change has been observed in individual(s) with autosomal recessive deafness (internal data). In at least one individual the data is consistent with being in trans (on the opposite chromosome) from a pathogenic variant. ClinVar contains an entry for this variant (Variation ID: 972466). Invitae Evidence Modeling of protein sequence and biophysical properties (such as structural, functional, and spatial information, amino acid conservation, physicochemical variation, residue mobility, and thermodynamic stability) indicates that this missense variant is expected to disrupt MYO7A protein function with a positive predictive value of 95%. In summary, the currently available evidence indicates that the variant is pathogenic, but additional data are needed to prove that conclusively. Therefore, this variant has been classified as Likely Pathogenic.

Women's Health and Genetics/Laboratory Corporation of America, LabCorp
Classification: Uncertain significance. Last evaluated: 2025-07-31. Review status: criteria provided, single submitter. Criteria: LabCorp Variant Classification Summary - May 2015. Collection method: clinical testing. Allele origin: germline.
Comment: Variant summary: MYO7A c.1979G>T (p.Gly660Val) results in a non-conservative amino acid change located in the Myosin motor domain (IPR001609) of the encoded protein sequence. Algorithms developed to predict the effect of missense changes on protein structure and function all suggest that this variant is likely to be disruptive. The frequency data for this variant in gnomAD is considered unreliable, as metrics indicate poor data quality at this position. To our knowledge, no experimental evidence demonstrating an impact on protein function has been reported. ClinVar contains an entry for this variant (Variation ID: 972466). Based on the evidence outlined above, the variant was classified as uncertain significance.

GeneDx
Classification: Uncertain significance. Last evaluated: 2021-05-20. Review status: criteria provided, single submitter. Criteria: GeneDx Variant Classification Process June 2021. Collection method: clinical testing. Allele origin: germline. Affected: yes.
Comment: In silico analysis, which includes protein predictors and evolutionary conservation, supports a deleterious effect; Has not been previously published as pathogenic or benign to our knowledge

Natera, Inc.
Classification: Uncertain significance for Usher syndrome type 1B. Last evaluated: 2020-09-21. Review status: no assertion criteria provided. Collection method: clinical testing. Allele origin: germline. Not counted in ClinVar's aggregate classification.

NM_000260.4(MYO7A):c.1979G>T (p.Gly660Val)

Gene: MYO7A (myosin VIIA; plus strand). Cytogenetic location: 11q13.5.
Variant type: single nucleotide variant.
Coding change: c.1979G>T on transcript NM_000260.4 (MANE Select); coding-DNA position 1979, G replaced by T.
Protein change: p.Gly660Val; replaces glycine 660 with valine.
Molecular consequence: missense variant.
Genome position (GRCh38, 1-based): chr11:77,174,799, G>T. VCF-style: chr11-77174799-G-T. GRCh37 (hg19) VCF-style: chr11-76885845-G-T.
Other names: c.1979G>T, p.Gly660Val (NM_001127180.2); c.1946G>T, p.Gly649Val (NM_001369365.1); short protein forms G649V, G660V.
Identifiers: ClinVar variation 972466 (VCV000972466.14), dbSNP rs1555078946, ClinGen allele CA381939209.